The following is an entry in ClinVar:

ClinVar aggregate classification (germline): Likely pathogenic (1 of 4 stars; one submission).

Conditions:
Hereditary cancer-predisposing syndrome. Also called: Neoplastic Syndromes, Hereditary; Tumor predisposition; Hereditary Cancer Syndrome; Hereditary neoplastic syndrome. Identifiers: Orphanet 140162, MedGen C0027672, MeSH D009386, MONDO:0015356.

Submission:

Ambry Genetics
Classification: Likely pathogenic for Hereditary cancer-predisposing syndrome. Last evaluated: 2026-03-12. Review status: criteria provided, single submitter. Criteria: Ambry Variant Classification Scheme 2023. Collection method: clinical testing. Allele origin: germline.
Comment: The c.8841_8842insL1 likely pathogenic variant results from the insertion of an L1 element between nucleotides 8841 and 8842 in coding exon 60 of the ATM gene. Mobile element insertions contribute to pathogenicity by either disrupting the coding sequence or inducing aberrant splicing (Belancio VP et al. Semin. Cancer Biol. 2010 Aug;20:200-10; Deininger P et al. Genome Biol. 2011 Dec;12:236; van der Klift HM Hum Mutat. 2012 Jul;33(7):1051-5). Based on the majority of available evidence to date, this variant is likely to be pathogenic.

NM_000051.3:c.8841_8842insL1

Gene: ATM (ATM serine/threonine kinase; plus strand).
Variant type: Insertion.
Identifiers: ClinVar variation 4827606 (VCV004827606.1).